The following is an entry in ClinVar:

ClinVar aggregate classification (germline): Uncertain significance (1 of 4 stars; one submission).

gnomAD v4.1: 1 of 1,614,066 alleles (0.000062%); highest among the groups gnomAD compares: East Asian, 0.0022%; no homozygotes.

Submission:

GeneDx
Classification: Uncertain significance. Last evaluated: 2023-04-03. Review status: criteria provided, single submitter. Criteria: GeneDx Variant Classification Process June 2021. Collection method: clinical testing. Allele origin: germline. Affected: yes.
Comment: Not observed at significant frequency in large population cohorts (gnomAD); In silico analysis supports that this missense variant has a deleterious effect on protein structure/function; Has not been previously published as pathogenic or benign to our knowledge; This variant is associated with the following publications: (PMID: 18184292)

NM_000702.4(ATP1A2):c.1930C>G (p.Arg644Gly)

Gene: ATP1A2 (ATPase Na+/K+ transporting subunit alpha 2; plus strand). Cytogenetic location: 1q23.2.
Variant type: single nucleotide variant.
Coding change: c.1930C>G on transcript NM_000702.4 (MANE Select); coding-DNA position 1930, C replaced by G.
Protein change: p.Arg644Gly; replaces arginine 644 with glycine.
Molecular consequence: missense variant.
Genome position (GRCh38, 1-based): chr1:160,134,586, C>G. VCF-style: chr1-160134586-C-G. GRCh37 (hg19) VCF-style: chr1-160104376-C-G.
Other names: short protein forms R644G.
Identifiers: ClinVar variation 3342976 (VCV003342976.1).